The following is an entry in ClinVar:

ClinVar aggregate classification (germline): Uncertain significance (1 of 4 stars; one submission).

Conditions:
Cardiovascular phenotype. Identifiers: MedGen CN230736.

Submission:

Ambry Genetics
Classification: Uncertain significance for Cardiovascular phenotype. Last evaluated: 2025-03-02. Review status: criteria provided, single submitter. Criteria: Ambry Variant Classification Scheme 2023. Collection method: clinical testing. Allele origin: germline.
Comment: The p.L1191V variant (also known as c.3571C>G), located in coding exon 2 of the ZNF469 gene, results from a C to G substitution at nucleotide position 3571. The leucine at codon 1191 is replaced by valine, an amino acid with highly similar properties. This amino acid position is conserved. In addition, this alteration is predicted to be tolerated by in silico analysis. Based on the available evidence, the clinical significance of this variant remains unclear.

NM_001367624.2(ZNF469):c.3655C>G (p.Leu1219Val)

Gene: ZNF469 (zinc finger protein 469; plus strand). Cytogenetic location: 16q24.2.
Variant type: single nucleotide variant.
Coding change: c.3655C>G on transcript NM_001367624.2 (MANE Select); coding-DNA position 3655, C replaced by G.
Protein change: p.Leu1219Val; replaces leucine 1219 with valine.
Molecular consequence: missense variant.
Genome position (GRCh38, 1-based): chr16:88,431,125, C>G. VCF-style: chr16-88431125-C-G. GRCh37 (hg19) VCF-style: chr16-88497533-C-G.
Other names: NM_001127464.1:c.3571C>G; short protein forms L1219V.
Identifiers: ClinVar variation 3821164 (VCV003821164.1).